The following is an entry in ClinVar:

ClinVar aggregate classification (germline): Benign/Likely benign. Review status: criteria provided, multiple submitters, no conflicts (2 of 4 stars). 2 submissions from 2 submitters: Benign (1); Likely benign (1). Last evaluated 2017-12-11.

Allele frequency attached by ClinVar (database versions not stated): ExAC 0.41889; 1000 Genomes Project 0.30990; gnomAD exomes 0.43868.

Submissions (3):

Labcorp Genetics (formerly Invitae), Labcorp
Classification: Likely benign. Last evaluated: 2017-12-11. Review status: criteria provided, single submitter. Criteria: Invitae Variant Classification Sherloc (09022015). Collection method: clinical testing. Allele origin: germline.

GeneDx
Classification: Benign. Last evaluated: 2017-02-22. Review status: criteria provided, single submitter. Criteria: GeneDx Variant Classification (06012015). Collection method: clinical testing. Allele origin: germline. Affected: yes.
Comment: This variant is considered likely benign or benign based on one or more of the following criteria: it is a conservative change, it occurs at a poorly conserved position in the protein, it is predicted to be benign by multiple in silico algorithms, and/or has population frequency not consistent with disease.

Dr. Peter K. Rogan Lab, Western University
No classification provided (evidence only). Condition: Cholangiocarcinoma. Review status: no classification provided. Collection method: in vitro. Allele origin: not applicable. Functional consequence: retained intron. Not counted in ClinVar's aggregate classification.

NM_000254.3(MTR):c.2044-9C>T

Gene: MTR (5-methyltetrahydrofolate-homocysteine methyltransferase; plus strand). Cytogenetic location: 1q43.
Variant type: single nucleotide variant.
Coding change: c.2044-9C>T on transcript NM_000254.3 (MANE Select); 9 bases into the intron before coding-DNA position 2044, C replaced by T.
Molecular consequence: intron variant.
Genome position (GRCh38, 1-based): chr1:236,861,116, C>T. VCF-style: chr1-236861116-C-T. GRCh37 (hg19) VCF-style: chr1-237024416-C-T.
Other names: NC_000001.10:g.237024416C>T; c.2044-1120C>T (NM_001291939.1); c.823-9C>T (NM_001291940.2).
Identifiers: ClinVar variation 506702 (VCV000506702.5), dbSNP rs531027742, ClinGen allele CA1474281.